The following is an entry in ClinVar:

ClinVar aggregate classification (germline): Uncertain significance (1 of 4 stars; one submission).

Conditions:
Cryopyrin associated periodic syndrome (CAPS). Identifiers: Orphanet 208650, MedGen C2316212, MONDO:0016168.

Submission:

Labcorp Genetics (formerly Invitae), Labcorp
Classification: Uncertain significance for Cryopyrin associated periodic syndrome. Last evaluated: 2025-11-23. Review status: criteria provided, single submitter. Criteria: Invitae Variant Classification Sherloc (09022015). Collection method: clinical testing. Allele origin: germline.
Comment: This sequence change replaces alanine, which is neutral and non-polar, with threonine, which is neutral and polar, at codon 228 of the NLRP3 protein (p.Ala228Thr). This variant is not present in population databases (gnomAD no frequency). This variant has not been reported in the literature in individuals affected with NLRP3-related conditions. Invitae Evidence Modeling of protein sequence and biophysical properties (such as structural, functional, and spatial information, amino acid conservation, physicochemical variation, residue mobility, and thermodynamic stability) has been performed for this missense variant. However, the output from this modeling did not meet the statistical confidence thresholds required to predict the impact of this variant on NLRP3 protein function. In summary, the available evidence is currently insufficient to determine the role of this variant in disease. Therefore, it has been classified as a Variant of Uncertain Significance.

NM_001243133.2(NLRP3):c.676G>A (p.Ala226Thr)

Gene: NLRP3 (NLR family pyrin domain containing 3; plus strand). Cytogenetic location: 1q44.
Variant type: single nucleotide variant.
Coding change: c.676G>A on transcript NM_001243133.2 (MANE Select); coding-DNA position 676, G replaced by A.
Protein change: p.Ala226Thr; replaces alanine 226 with threonine.
Molecular consequence: missense variant.
Genome position (GRCh38, 1-based): chr1:247,424,125, G>A. VCF-style: chr1-247424125-G-A. GRCh37 (hg19) VCF-style: chr1-247587427-G-A.
Other names: c.682G>A, p.Ala228Thr (NM_004895.5); c.676G>A, p.Ala226Thr (NM_183395.3, NM_001079821.3, NM_001127461.3 and 1 more transcripts); short protein forms A226T, A228T.
Identifiers: ClinVar variation 4800140 (VCV004800140.1).
Genomic context (GRCh38, chr1:247,424,125, plus strand): 5'-CTGTTTGACCCCGATGATGAGCATTCTGAGCCTGTGCACACCGTGGTGTTCCAGGGGGCG[G>A]CAGGGATTGGGAAAACAATCCTGGCCAGGAAGATGATGTTGGACTGGGCGTCGGGGACAC-3'
Protein context (NP_001230062.1, residues 216-236): PVHTVVFQGA[Ala226Thr]GIGKTILARK